The following is an entry in ClinVar:

NM_004517.4(ILK):c.809A>G (p.His270Arg)

Genes: ILK (integrin linked kinase; plus strand), TAF10 (TATA-box binding protein associated factor 10; minus strand). Cytogenetic location: 11p15.4.
Variant type: single nucleotide variant.
Coding change: c.809A>G on transcript NM_004517.4 (MANE Select); coding-DNA position 809, A replaced by G.
Protein change: p.His270Arg; replaces histidine 270 with arginine.
Molecular consequence: missense variant. On other transcripts: 3 prime UTR variant (1).
Genome position (GRCh38, 1-based): chr11:6,609,592, A>G. VCF-style: chr11-6609592-A-G. GRCh37 (hg19) VCF-style: chr11-6630823-A-G.
Other names: c.809A>G, p.His270Arg (NM_001014794.3, NM_001014795.3); c.626A>G, p.His209Arg (NM_001278441.2); c.407A>G, p.His136Arg (NM_001278442.2); c.*1330T>C (NM_006284.4); short protein forms H136R, H209R, H270R.
Identifiers: ClinVar variation 4038526 (VCV004038526.1).
Genomic context (GRCh38, chr11:6,609,592, plus strand): 5'-TGCTCCCAGTGCTAGGTGCCTGCCAGTCTCCACCTGCTCCTCATCCTACTCTCATCACAC[A>G]CTGGATGCCGTATGGATCCCTCTACAATGTACTACATGAAGGCACCAGTGAGTAGGGATG-3'
Protein context (NP_004508.1, residues 260-280): PPAPHPTLIT[His270Arg]WMPYGSLYNV

ClinVar aggregate classification (germline): Uncertain significance (1 of 4 stars; one submission).

Submission:

Ambry Genetics
Classification: Uncertain significance. Last evaluated: 2025-06-10. Review status: criteria provided, single submitter. Criteria: Ambry Variant Classification Scheme 2023. Collection method: clinical testing. Allele origin: germline.
Comment: The p.H270R variant (also known as c.809A>G), located in coding exon 8 of the ILK gene, results from an A to G substitution at nucleotide position 809. The histidine at codon 270 is replaced by arginine, an amino acid with highly similar properties. This amino acid position is conserved. In addition, this alteration is predicted to be deleterious by in silico analysis. Based on the available evidence, the clinical significance of this variant remains unclear.